The following is an entry in ClinVar:

ClinVar aggregate classification (germline): Uncertain significance (1 of 4 stars; one submission).

Conditions:
Charcot-Marie-Tooth disease type 2. Also called: Charcot-Marie-Tooth type 2. Identifiers: Orphanet 64746, MedGen C0270914, MONDO:0018993.

Allele frequency attached by ClinVar (database versions not stated): gnomAD 0.00001 and 0.00002; gnomAD exomes below 0.00001 and 0.00001; TOPMed below 0.00001; ExAC 0.00001.
gnomAD v4.1: 10 of 1,613,372 alleles (0.00062%); highest among the groups gnomAD compares: East Asian, 0.0022%; no homozygotes.

Submission:

Labcorp Genetics (formerly Invitae), Labcorp
Classification: Uncertain significance for Charcot-Marie-Tooth disease type 2. Last evaluated: 2021-10-14. Review status: criteria provided, single submitter. Criteria: Invitae Variant Classification Sherloc (09022015). Collection method: clinical testing. Allele origin: germline.
Comment: This sequence change replaces threonine with methionine at codon 441 of the MED25 protein (p.Thr441Met). The threonine residue is highly conserved and there is a moderate physicochemical difference between threonine and methionine. This variant is present in population databases (rs754342751, ExAC 0.009%). This variant has not been reported in the literature in individuals affected with MED25-related conditions. Algorithms developed to predict the effect of missense changes on protein structure and function are either unavailable or do not agree on the potential impact of this missense change (SIFT: "Deleterious"; PolyPhen-2: "Probably Damaging"; Align-GVGD: "Class C0"). In summary, the available evidence is currently insufficient to determine the role of this variant in disease. Therefore, it has been classified as a Variant of Uncertain Significance.

NM_030973.4(MED25):c.1322C>T (p.Thr441Met)

Gene: MED25 (mediator complex subunit 25; plus strand). Cytogenetic location: 19q13.33.
Variant type: single nucleotide variant.
Coding change: c.1322C>T on transcript NM_030973.4 (MANE Select); coding-DNA position 1322, C replaced by T.
Protein change: p.Thr441Met; replaces threonine 441 with methionine.
Molecular consequence: missense variant.
Genome position (GRCh38, 1-based): chr19:49,832,105, C>T. VCF-style: chr19-49832105-C-T. GRCh37 (hg19) VCF-style: chr19-50335362-C-T.
Other names: c.1322C>T, p.Thr441Met (NM_001378355.1); short protein forms T441M.
Identifiers: ClinVar variation 1418654 (VCV001418654.3), dbSNP rs754342751, ClinGen allele CA9585238.